The following is an entry in ClinVar:

ClinVar aggregate classification (germline): Uncertain significance (1 of 4 stars; one submission).

Conditions:
Nystagmus. Identifiers: MedGen C0028738, MONDO:0004843, HP:0000639.
Microphthalmia. Also called: Microphthalmos. Identifiers: MedGen C0026010, MONDO:0021129, HP:0000568.
Microcornea. Identifiers: MedGen C0266544, HP:0000482.
Developmental cataract. Also called: Congenital cataracts; Bilateral cataracts; Congenital cataract. Identifiers: MedGen C0009691, HP:0000519.

Submission:

Diagnostics Services (NGS), CSIR - Centre For Cellular And Molecular Biology
Classification: Uncertain significance for Developmental cataract; Microcornea; Microphthalmia; Nystagmus. Last evaluated: 2020-02-07. Review status: criteria provided, single submitter. Criteria: ACMG Guidelines, 2015. Collection method: clinical testing. Allele origin: unknown. Inheritance: Autosomal dominant inheritance. Affected: yes. Observed: 1 heterozygote.
Comment: The c.513delG variant is not present in publicly available databases like 1000 Genomes, Exome Variant Server (EVS), Exome Aggregation Consortium (ExAC), Genome Aggregation Database (gnomAD) and dbSNP. The variant is not present in our in-house exome database. The variant is also not present in our in-house exome database. The variant was not reported earlier to OMIM, ClinVar or HGMD databases. In-silico pathogenicity prediction programs MutationTaster2, CADD etc. predicted this variant as likely deleterious. The variant has been classified as VUS in view of additional features like micropthalmia and microcornea observed in the patient. These features have not been described so far in association with variations in MIP gene.

NM_012064.4(MIP):c.513del (p.His172fs)

Gene: MIP (major intrinsic protein of lens fiber; minus strand). Cytogenetic location: 12q13.3.
Variant type: Deletion.
Coding change: c.513del on transcript NM_012064.4 (MANE Select); coding-DNA position 513, one base deleted (G; older notation c.513delG).
Protein change: p.His172fs; shifts the reading frame from histidine 172.
Molecular consequence: frameshift variant.
Genome position (GRCh38, 1-based): chr12:56,453,603, C deleted on the plus strand (G on the coding strand, the reverse complement: MIP is on the minus strand); the first of 4 consecutive C bases (chr12:56,453,603-56,453,606); deleting any one gives the same sequence. VCF-style (leftmost placement, unchanged base first): chr12-56453602-GC-G. GRCh37 (hg19) VCF-style: chr12-56847386-GC-G.
Other names: c.513delG (NM_012064.4); short protein forms H172fs.
Identifiers: ClinVar variation 834061 (VCV000834061.5), dbSNP rs1868688386, ClinGen allele CA916083316.